The following is an entry in ClinVar:

ClinVar aggregate classification (germline): Pathogenic (1 of 4 stars; one submission).

Submission:

Labcorp Genetics (formerly Invitae), Labcorp
Classification: Pathogenic. Last evaluated: 2023-05-21. Review status: criteria provided, single submitter. Criteria: Invitae Variant Classification Sherloc (09022015). Collection method: clinical testing. Allele origin: germline.
Comment: This sequence change creates a premature translational stop signal (p.Gln1615*) in the MYO18B gene. It is expected to result in an absent or disrupted protein product. Loss-of-function variants in MYO18B are known to be pathogenic (PMID: 25748484, 32184166, 32637634). This variant is not present in population databases (gnomAD no frequency). This variant has not been reported in the literature in individuals affected with MYO18B-related conditions. For these reasons, this variant has been classified as Pathogenic.

Literature cited by the submitters: PubMed 25748484; PubMed 32184166; PubMed 32637634.

NM_032608.7(MYO18B):c.4843C>T (p.Gln1615Ter)

Gene: MYO18B (myosin XVIIIB; plus strand). Cytogenetic location: 22q12.1.
Variant type: single nucleotide variant.
Coding change: c.4843C>T on transcript NM_032608.7 (MANE Select); coding-DNA position 4843, C replaced by T.
Protein change: p.Gln1615Ter; replaces glutamine 1615 with a stop codon.
Molecular consequence: nonsense.
Genome position (GRCh38, 1-based): chr22:25,902,632, C>T. VCF-style: chr22-25902632-C-T. GRCh37 (hg19) VCF-style: chr22-26298599-C-T.
Other names: c.4846C>T, p.Gln1616Ter (NM_001318245.2); short protein forms Q1616*, Q1615*.
Identifiers: ClinVar variation 2826321 (VCV002826321.3), dbSNP rs1174331239, ClinGen allele CA411012474.